The following is an entry in ClinVar:

NM_000136.3(FANCC):c.938C>T (p.Ala313Val)

Genes: FANCC (FA complementation group C; minus strand), AOPEP (aminopeptidase O (putative); plus strand). Cytogenetic location: 9q22.32.
Variant type: single nucleotide variant.
Coding change: c.938C>T on transcript NM_000136.3 (MANE Select); coding-DNA position 938, C replaced by T.
Protein change: p.Ala313Val; replaces alanine 313 with valine.
Molecular consequence: missense variant.
Genome position (GRCh38, 1-based): chr9:95,125,144, G>A on the plus strand (C>T on the coding strand, the complement: FANCC is on the minus strand). VCF-style: chr9-95125144-G-A. GRCh37 (hg19) VCF-style: chr9-97887426-G-A.
Other names: p.A313V:GCC>GTC; c.938C>T, p.Ala313Val (NM_001243743.2, NM_001243744.2); short protein forms A313V.
Identifiers: ClinVar variation 182470 (VCV000182470.5), dbSNP rs730881712, ClinGen allele CA299139.

ClinVar aggregate classification (germline): Uncertain significance. Review status: criteria provided, multiple submitters, no conflicts (2 of 4 stars). 3 submissions from 3 submitters: Uncertain significance (2). 1 of the submissions does not count toward it. Last evaluated 2022-11-23.

Conditions:
Hereditary cancer-predisposing syndrome. Also called: Tumor predisposition; Hereditary Cancer Syndrome; Hereditary neoplastic syndrome; Neoplastic Syndromes, Hereditary. Identifiers: Orphanet 140162, MedGen C0027672, MeSH D009386, MONDO:0015356.
Fanconi anemia (FA). Also called: Fanconi's anemia. Identifiers: Orphanet 84, MedGen C0015625, MeSH D005199, MONDO:0019391.

gnomAD v4.1: 1 of 1,614,178 alleles (0.000062%); highest among the groups gnomAD compares: Non-Finnish European, 0.000085%; no homozygotes.

Submissions (3):

Ambry Genetics
Classification: Uncertain significance for Hereditary cancer-predisposing syndrome. Last evaluated: 2022-11-23. Review status: criteria provided, single submitter. Criteria: Ambry Variant Classification Scheme 2023. Collection method: clinical testing. Allele origin: germline.
Comment: The p.A313V variant (also known as c.938C>T), located in coding exon 9 of the FANCC gene, results from a C to T substitution at nucleotide position 938. The alanine at codon 313 is replaced by valine, an amino acid with similar properties. This amino acid position is well conserved in available vertebrate species. In addition, the in silico prediction for this alteration is inconclusive. Since supporting evidence is limited at this time, the clinical significance of this alteration remains unclear.

GeneDx
Classification: Uncertain significance. Last evaluated: 2014-10-09. Review status: criteria provided, single submitter. Criteria: GeneDx Variant Classification (06012015). Collection method: clinical testing. Allele origin: germline. Affected: yes.
Comment: This variant is denoted FANCC c.938C>T at the cDNA level, p.Ala313Val (A313V) at the protein level, and results in the change of an Alanine to a Valine (GCC>GTC). This variant has not, to our knowledge, been published in the literature as pathogenic or benign. FANCC Ala313Val was not observed in approximately 6,500 individuals of European and African American ancestry in the NHLBI Exome Sequencing Project, indicating it is not a common benign variant in these populations. Since Alanine and Valine share similar properties, this is considered a conservative amino acid substitution. FANCC Ala313Val occurs at a position that is moderately conserved among mammals and is located within the Hsp70 interacting domain (Gordon and Buchwald). In silico analyses are inconsistent regarding the effect this variant may have on protein structure and function. Based on currently available information, it is unclear whether FANCC Ala313Val is pathogenic or benign. We consider it to be a variant of uncertain significance.

Natera, Inc.
Classification: Uncertain significance for Fanconi anemia. Last evaluated: 2021-05-14. Review status: no assertion criteria provided. Collection method: clinical testing. Allele origin: germline. Not counted in ClinVar's aggregate classification.